The following is an entry in ClinVar:

ClinVar aggregate classification (germline): Likely benign (0 of 4 stars; one submission).

Conditions:
BTN2A2-related disorder. Also called: BTN2A2-related condition.

Allele frequency attached by ClinVar (database versions not stated): ESP Exome Variant Server 0.00038; ExAC 0.00040; TOPMed 0.00051; gnomAD 0.00057; gnomAD exomes 0.00083.
gnomAD v4.1: 1,286 of 1,614,096 alleles (0.08%); highest among the groups gnomAD compares: Non-Finnish European, 0.1%; 1 homozygote.

Submissions (3):

PreventionGenetics, part of Exact Sciences
Classification: Likely benign for BTN2A2-related condition. Last evaluated: 2019-02-26. Review status: no assertion criteria provided. Collection method: clinical testing. Allele origin: germline.
Comment: This variant is classified as likely benign based on ACMG/AMP sequence variant interpretation guidelines (Richards et al. 2015 PMID: 25741868, with internal and published modifications).

Dr. Peter K. Rogan Lab, Western University
No classification provided (evidence only). Condition: Sarcoma. Review status: no classification provided. Collection method: in vitro. Allele origin: not applicable. Functional consequence: retained intron. Not counted in ClinVar's aggregate classification.

Dr. Peter K. Rogan Lab, Western University
No classification provided (evidence only). Condition: Sarcoma. Review status: no classification provided. Collection method: in vitro. Allele origin: not applicable. Functional consequence: retained intron. Not counted in ClinVar's aggregate classification.

NM_006995.5(BTN2A2):c.932-3C>T

Gene: BTN2A2 (butyrophilin subfamily 2 member A2; plus strand). Cytogenetic location: 6p22.2.
Variant type: single nucleotide variant.
Coding change: c.932-3C>T on transcript NM_006995.5 (MANE Select); 3 bases into the intron before coding-DNA position 932, C replaced by T.
Molecular consequence: intron variant.
Genome position (GRCh38, 1-based): chr6:26,390,684, C>T. VCF-style: chr6-26390684-C-T. GRCh37 (hg19) VCF-style: chr6-26390912-C-T.
Other names: NC_000006.11:g.26390912C>T; c.932-3C>T (NM_001197237.2, NM_001197238.2); c.650-3C>T (NM_001197240.2); c.584-3C>T (NM_181531.3); c.302-3C>T (NM_001197239.2).
Identifiers: ClinVar variation 3034729 (VCV003034729.3), dbSNP rs377607368, ClinGen allele CA3672520.